The following is an entry in ClinVar:

ClinVar aggregate classification (germline): Pathogenic. Review status: criteria provided, multiple submitters, no conflicts (2 of 4 stars). 2 submissions from 2 submitters: Pathogenic (2). Last evaluated 2026-07-14.

Conditions:
CEP290-related ciliopathy. Also called: CEP290 ciliopathy. Identifiers: MedGen CN305601, MONDO:0100451.
Meckel-Gruber syndrome. Also called: DYSENCEPHALIA SPLANCHNOCYSTICA; GRUBER SYNDROME; Dysencephalia splachnocystica. Identifiers: Orphanet 564, MedGen C0265215, MONDO:0018921.
Nephronophthisis. Also called: Juvenile Nephronophthisis. Identifiers: Orphanet 655, MedGen C0687120, MONDO:0019005, HP:0000090.
Joubert syndrome. Also called: JOUBERT-BOLTSHAUSER SYNDROME; Familial aplasia of the vermis. Identifiers: Orphanet 475, MedGen C5979921, MONDO:0018772.

Submissions (2):

Myriad Genetics, Inc.
Classification: Pathogenic for CEP290-related ciliopathy. Last evaluated: 2026-07-14. Review status: criteria provided, single submitter. Criteria: Myriad Autosomal Dominant, Autosomal Recessive and X-Linked Classification Criteria (2023). Collection method: clinical testing. Allele origin: unknown.
Comment: NM_025114.3(CEP290):c.4124T>A(L1375*) is expected to be pathogenic in the context of CEP290-related disorders. This variant is predicted to lead to an abnormal or absent protein product due to the creation of a premature termination codon in CEP290, a gene where loss-of-function variants are known to be pathogenic. Please note: this variant was assessed in the context of healthy population screening.

Labcorp Genetics (formerly Invitae), Labcorp
Classification: Pathogenic for Joubert syndrome; Meckel-Gruber syndrome; Nephronophthisis. Last evaluated: 2022-03-13. Review status: criteria provided, single submitter. Criteria: Invitae Variant Classification Sherloc (09022015). Collection method: clinical testing. Allele origin: germline.
Comment: This sequence change creates a premature translational stop signal (p.Leu1375*) in the CEP290 gene. It is expected to result in an absent or disrupted protein product. Loss-of-function variants in CEP290 are known to be pathogenic (PMID: 16909394, 17345604, 20690115). For these reasons, this variant has been classified as Pathogenic. This variant has not been reported in the literature in individuals affected with CEP290-related conditions. This variant is not present in population databases (gnomAD no frequency).

Literature cited by the submitters: PubMed 16909394 (cited by Labcorp Genetics (formerly Invitae), Labcorp); PubMed 17345604 (cited by Labcorp Genetics (formerly Invitae), Labcorp); PubMed 20690115 (cited by Labcorp Genetics (formerly Invitae), Labcorp).

NM_025114.4(CEP290):c.4124T>A (p.Leu1375Ter)

Gene: CEP290 (centrosomal protein 290; minus strand). Cytogenetic location: 12q21.32.
Variant type: single nucleotide variant.
Coding change: c.4124T>A on transcript NM_025114.4 (MANE Select); coding-DNA position 4124, T replaced by A.
Protein change: p.Leu1375Ter; replaces leucine 1375 with a stop codon.
Molecular consequence: nonsense.
Genome position (GRCh38, 1-based): chr12:88,087,850, A>T on the plus strand (T>A on the coding strand, the complement: CEP290 is on the minus strand). VCF-style: chr12-88087850-A-T. GRCh37 (hg19) VCF-style: chr12-88481627-A-T.
Other names: short protein forms L1375*.
Identifiers: ClinVar variation 2111199 (VCV002111199.5), dbSNP rs2500060132, ClinGen allele CA385999153.